The following is an entry in ClinVar:

NM_006440.5(TXNRD2):c.1406A>G (p.Asn469Ser)

Gene: TXNRD2 (thioredoxin reductase 2; minus strand). Cytogenetic location: 22q11.21.
Variant type: single nucleotide variant.
Coding change: c.1406A>G on transcript NM_006440.5 (MANE Select); coding-DNA position 1406, A replaced by G.
Protein change: p.Asn469Ser; replaces asparagine 469 with serine.
Molecular consequence: missense variant. On other transcripts: non-coding transcript variant (1).
Genome position (GRCh38, 1-based): chr22:19,878,129, T>C on the plus strand (A>G on the coding strand, the complement: TXNRD2 is on the minus strand). VCF-style: chr22-19878129-T-C. GRCh37 (hg19) VCF-style: chr22-19865652-T-C.
Other names: c.1403A>G, p.Asn468Ser (NM_001352300.2); c.1316A>G, p.Asn439Ser (NM_001352301.2); c.1118A>G, p.Asn373Ser (NM_001352302.2); short protein forms N469S, N373S, N439S, N468S.
Identifiers: ClinVar variation 519006 (VCV000519006.16), dbSNP rs757704344, ClinGen allele CA10103670.

ClinVar aggregate classification (germline): Uncertain significance. Review status: criteria provided, multiple submitters, no conflicts (2 of 4 stars). 3 submissions from 3 submitters: Uncertain significance (3). Last evaluated 2025-11-13.

Conditions:
Primary dilated cardiomyopathy (DCM). Also called: Dilated Cardiomyopathy. Identifiers: Orphanet 217604, MedGen C0007193, MeSH D002311, MONDO:0005021, HP:0001644. Inheritance: Various modes of inheritance.
Cardiovascular phenotype. Identifiers: MedGen CN230736.

Allele frequency attached by ClinVar (database versions not stated): ExAC 0.00002; gnomAD exomes 0.00002 and 0.00003; gnomAD 0.00003 and 0.00004; TOPMed 0.00004.
gnomAD v4.1: 40 of 1,613,380 alleles (0.0025%); highest among the groups gnomAD compares: African/African-American, 0.0093%; no homozygotes.

Submissions (3):

Ambry Genetics
Classification: Uncertain significance for Cardiovascular phenotype. Last evaluated: 2025-11-13. Review status: criteria provided, single submitter. Criteria: Ambry Variant Classification Scheme 2023. Collection method: clinical testing. Allele origin: germline.

Labcorp Genetics (formerly Invitae), Labcorp
Classification: Uncertain significance for Primary dilated cardiomyopathy. Last evaluated: 2024-10-15. Review status: criteria provided, single submitter. Criteria: Invitae Variant Classification Sherloc (09022015). Collection method: clinical testing. Allele origin: germline.
Comment: This sequence change replaces asparagine, which is neutral and polar, with serine, which is neutral and polar, at codon 469 of the TXNRD2 protein (p.Asn469Ser). This variant is present in population databases (rs757704344, gnomAD 0.01%). This variant has not been reported in the literature in individuals affected with TXNRD2-related conditions. ClinVar contains an entry for this variant (Variation ID: 519006). Invitae Evidence Modeling of protein sequence and biophysical properties (such as structural, functional, and spatial information, amino acid conservation, physicochemical variation, residue mobility, and thermodynamic stability) indicates that this missense variant is not expected to disrupt TXNRD2 protein function with a negative predictive value of 80%. In summary, the available evidence is currently insufficient to determine the role of this variant in disease. Therefore, it has been classified as a Variant of Uncertain Significance.

Clinical Genomics Laboratory, Stanford Medicine
Classification: Uncertain significance. Last evaluated: 2021-08-30. Review status: criteria provided, single submitter. Criteria: ACMG Guidelines, 2015. Collection method: clinical testing. Allele origin: germline. Observed: 1 variant allele, 1 heterozygote.
Comment: The p.Asn469Ser variant in the TXNRD2 gene has not been previously reported in association with disease. This variant has been identified in 4/34,504 Latino/Admixed American chromosomes by the Genome Aggregation Database. Computational tools predict that this variant is deleterious; however, the accuracy of in silico algorithms is limited. These data were assessed using the ACMG/AMP variant interpretation guidelines. In summary, the significance of the p.Asn469Ser variant is uncertain. Additional information is needed to resolve the significance of this variant. [ACMG evidence codes used: PP3]